The following is an entry in ClinVar:

ClinVar aggregate classification (germline): Likely benign. Review status: criteria provided, single submitter (1 of 4 stars). 4 submissions from 4 submitters: Likely benign (1). 3 of the submissions do not count toward it. Last evaluated 2014-10-10.

Conditions:
Type 2 diabetes mellitus. Also called: Type II diabetes mellitus. Identifiers: MedGen C0011860, MeSH D003924, MONDO:0005148, OMIM 125853, HP:0005978.
IRS1-related disorder. Also called: IRS1-related condition.

Submissions (4):

Genome Diagnostics Laboratory, University Medical Center Utrecht
Classification: Likely benign for Type 2 diabetes mellitus. Last evaluated: 2014-10-10. Review status: criteria provided, single submitter. Criteria: ACGS Guidelines, 2013. Collection method: clinical testing. Allele origin: germline. Affected: yes. Study: VKGL Data-share Consensus.

PreventionGenetics, part of Exact Sciences
Classification: Benign for IRS1-related condition. Last evaluated: 2019-05-17. Review status: no assertion criteria provided. Collection method: clinical testing. Allele origin: germline. Not counted in ClinVar's aggregate classification.
Comment: This variant is classified as benign based on ACMG/AMP sequence variant interpretation guidelines (Richards et al. 2015 PMID: 25741868, with internal and published modifications).

Genome Diagnostics Laboratory, Amsterdam University Medical Center
Classification: Likely benign for Type 2 diabetes mellitus. Last evaluated: 2016-12-16. Review status: no assertion criteria provided. Criteria: ACGS Guidelines, 2013. Collection method: clinical testing. Allele origin: germline. Affected: yes. Study: VKGL Data-share Consensus. Not counted in ClinVar's aggregate classification.

Clinical Genetics, Academic Medical Center
Classification: Likely benign. Review status: no assertion criteria provided. Collection method: clinical testing. Allele origin: germline. Affected: yes. Study: VKGL Data-share Consensus. Not counted in ClinVar's aggregate classification.

NM_005544.3(IRS1):c.2039GCA[6] (p.Ser686del)

Gene: IRS1 (insulin receptor substrate 1; minus strand). Cytogenetic location: 2q36.3.
Variant type: Microsatellite.
Coding change: c.2039GCA[6] on transcript NM_005544.3 (MANE Select); six copies in a row of the 3-base unit GCA starting at c.2039; the reference has seven copies in a row; one copy, 3 bases deleted.
Protein change: p.Ser686del; deletes serine 686.
Molecular consequence: inframe deletion.
Genome position (GRCh38, 1-based): chr2:226,796,680-226,796,682, TGC deleted on the plus strand (GCA on the coding strand, the reverse complement: IRS1 is on the minus strand); deleting any 3 consecutive bases within chr2:226,796,680-226,796,702 gives the same sequence; the position shown is the placement nearest the transcript's 3' end. VCF-style (leftmost placement, unchanged base first): chr2-226796679-TTGC-T. GRCh37 (hg19) VCF-style: chr2-227661395-TTGC-T.
Other names: c.2057_2059delGCA (NM_005544.2); short protein forms S686del.
Identifiers: ClinVar variation 522185 (VCV000522185.7), dbSNP rs138975702, ClinGen allele CA2143190.